The following is an entry in ClinVar:

ClinVar aggregate classification (germline): Benign/Likely benign. Review status: criteria provided, multiple submitters, no conflicts (2 of 4 stars). 5 submissions from 5 submitters: Benign (1); Likely benign (3). 1 of the submissions does not count toward it. Last evaluated 2025-09-02.

Conditions:
Cataract 6 multiple types. Also called: CATARACT, AGE-RELATED CORTICAL, 2; CATARACT 6, CONGENITAL TOTAL; CATARACT 6, POSTERIOR POLAR. Identifiers: Orphanet 91492, MedGen C1861825, MONDO:0007288, OMIM 116600.
EPHA2-related disorder. Also called: EPHA2-related condition.

Allele frequency attached by ClinVar (database versions not stated): gnomAD exomes 0.00013 and 0.00034; 1000 Genomes Project 30x 0.00031; ExAC 0.00036; 1000 Genomes Project 0.00040; gnomAD 0.00142 and 0.00153; ESP Exome Variant Server 0.00146; TOPMed 0.00151.
gnomAD v4.1: 414 of 1,613,452 alleles (0.026%); highest among the groups gnomAD compares: African/African-American, 0.51%; no homozygotes.

Submissions (5):

Labcorp Genetics (formerly Invitae), Labcorp
Classification: Benign for Cataract 6 multiple types. Last evaluated: 2025-09-02. Review status: criteria provided, single submitter. Criteria: Invitae Variant Classification Sherloc (09022015). Collection method: clinical testing. Allele origin: germline.

Blueprint Genetics
Classification: Likely benign. Last evaluated: 2024-11-11. Review status: criteria provided, single submitter. Criteria: ACMG Guidelines, 2015. Collection method: clinical testing. Allele origin: germline.

CeGaT Center for Human Genetics Tuebingen
Classification: Likely benign. Last evaluated: 2023-04-01. Review status: criteria provided, single submitter. Criteria: CeGaT Center For Human Genetics Tuebingen Variant Classification Criteria Version 2. Collection method: clinical testing. Allele origin: germline. Affected: yes. Observed: 1 variant allele.
Comment: EPHA2: BP4, BP7

GeneDx
Classification: Likely benign. Last evaluated: 2020-02-19. Review status: criteria provided, single submitter. Criteria: GeneDx Variant Classification Process June 2021. Collection method: clinical testing. Allele origin: germline. Affected: yes.

PreventionGenetics, part of Exact Sciences
Classification: Benign for EPHA2-related condition. Last evaluated: 2019-06-18. Review status: no assertion criteria provided. Collection method: clinical testing. Allele origin: germline. Not counted in ClinVar's aggregate classification.
Comment: This variant is classified as benign based on ACMG/AMP sequence variant interpretation guidelines (Richards et al. 2015 PMID: 25741868, with internal and published modifications).

NM_004431.5(EPHA2):c.489G>A (p.Leu163=)

Gene: EPHA2 (EPH receptor A2; minus strand). Cytogenetic location: 1p36.13.
Variant type: single nucleotide variant.
Coding change: c.489G>A on transcript NM_004431.5 (MANE Select); coding-DNA position 489, G replaced by A.
Protein change: p.Leu163=; no amino-acid change (leucine 163 retained).
Molecular consequence: synonymous variant.
Genome position (GRCh38, 1-based): chr1:16,148,712, C>T on the plus strand (G>A on the coding strand, the complement: EPHA2 is on the minus strand). VCF-style: chr1-16148712-C-T. GRCh37 (hg19) VCF-style: chr1-16475207-C-T.
Other names: c.489G>A (NM_004431.4); c.327G>A, p.Leu109= (NM_001329090.2).
Identifiers: ClinVar variation 1169468 (VCV001169468.36), dbSNP rs146626026, ClinGen allele CA625509.